The following is an entry in ClinVar:

ClinVar aggregate classification (germline): Uncertain significance (1 of 4 stars; one submission).

Conditions:
Emery-Dreifuss muscular dystrophy (EDMD). Also called: Scapuloperoneal syndrome, X-linked (formerly); Humeroperoneal neuromuscular disease, (formerly). Identifiers: Orphanet 261, MedGen C0410189, MONDO:0016830.

Allele frequency attached by ClinVar (database versions not stated): gnomAD exomes 0.00001 and 0.00006; gnomAD 0.00006 and 0.00007; TOPMed 0.00006; ExAC 0.00014; 1000 Genomes Project 0.00040; 1000 Genomes Project 30x 0.00047.
gnomAD v4.1: 26 of 1,547,388 alleles (0.0017%); highest among the groups gnomAD compares: East Asian, 0.054%; no homozygotes.

Submission:

Labcorp Genetics (formerly Invitae), Labcorp
Classification: Uncertain significance for Emery-Dreifuss muscular dystrophy. Last evaluated: 2025-08-29. Review status: criteria provided, single submitter. Criteria: Invitae Variant Classification Sherloc (09022015). Collection method: clinical testing. Allele origin: germline.
Comment: This sequence change replaces serine, which is neutral and polar, with phenylalanine, which is neutral and non-polar, at codon 402 of the SUN2 protein (p.Ser402Phe). This variant is present in population databases (rs189897179, gnomAD 0.09%), and has an allele count higher than expected for a pathogenic variant. This variant has not been reported in the literature in individuals affected with SUN2-related conditions. ClinVar contains an entry for this variant (Variation ID: 1375198). An algorithm developed to predict the effect of missense changes on protein structure and function (PolyPhen-2) suggests that this variant is likely to be tolerated. In summary, the available evidence is currently insufficient to determine the role of this variant in disease. Therefore, it has been classified as a Variant of Uncertain Significance.

NM_015374.3(SUN2):c.1205C>T (p.Ser402Phe)

Genes: GTPBP1 (GTP binding protein 1; plus strand), SUN2 (Sad1 and UNC84 domain containing 2; minus strand). Cytogenetic location: 22q13.1.
Variant type: single nucleotide variant.
Coding change: c.1205C>T on transcript NM_015374.3 (MANE Select); coding-DNA position 1205, C replaced by T.
Protein change: p.Ser402Phe; replaces serine 402 with phenylalanine.
Molecular consequence: missense variant. On other transcripts: intron variant (1).
Genome position (GRCh38, 1-based): chr22:38,740,418, G>A on the plus strand (C>T on the coding strand, the complement: SUN2 is on the minus strand). VCF-style: chr22-38740418-G-A. GRCh37 (hg19) VCF-style: chr22-39136423-G-A.
Other names: c.1268C>T, p.Ser423Phe (NM_001199579.2, NM_001394428.1); c.1205C>T, p.Ser402Phe (NM_001199580.2, NM_001394431.1, NM_001394432.1 and 5 more transcripts); c.1298C>T, p.Ser433Phe (NM_001394427.1); c.1250C>T, p.Ser417Phe (NM_001394429.1, NM_001394430.1); c.1115C>T, p.Ser372Phe (NM_001394438.1); c.1067C>T, p.Ser356Phe (NM_001394439.1, NM_001394440.1, NM_001394441.1); c.713C>T, p.Ser238Phe (NM_001394443.1); c.629C>T, p.Ser210Phe (NM_001394444.1, NM_001394445.1); and 1 more; short protein forms S356F, S423F, S210F, S372F, S402F, S433F, S238F, S417F.
Identifiers: ClinVar variation 1375198 (VCV001375198.8), dbSNP rs189897179, ClinGen allele CA10235617.